The following is an entry in ClinVar:

ClinVar aggregate classification (germline): Uncertain significance (1 of 4 stars; one submission).

Conditions:
Autosomal dominant nocturnal frontal lobe epilepsy 5. Also called: Epilepsy, nocturnal frontal lobe, 5; KCNT1-Related Epilepsy; CILIARY DYSKINESIA, PRIMARY, 28, WITHOUT SITUS INVERSUS; CILIARY DYSKINESIA, PRIMARY, 28, WITH SITUS INVERSUS. Identifiers: Orphanet 98784, MedGen C3554306, MONDO:0014002, OMIM 615005.
Developmental and epileptic encephalopathy, 14 (DEE14). Also called: Early infantile epileptic encephalopathy 14. Identifiers: Orphanet 293181, MedGen C3554195, MONDO:0013989, OMIM 614959.

Submission:

Labcorp Genetics (formerly Invitae), Labcorp
Classification: Uncertain significance for Autosomal dominant nocturnal frontal lobe epilepsy 5; Developmental and epileptic encephalopathy, 14. Last evaluated: 2023-12-08. Review status: criteria provided, single submitter. Criteria: Invitae Variant Classification Sherloc (09022015). Collection method: clinical testing. Allele origin: germline.
Comment: This sequence change replaces glutamine, which is neutral and polar, with histidine, which is basic and polar, at codon 400 of the KCNT1 protein (p.Gln400His). This variant also falls at the last nucleotide of exon 12, which is part of the consensus splice site for this exon. This variant is not present in population databases (gnomAD no frequency). This variant has not been reported in the literature in individuals affected with KCNT1-related conditions. An algorithm developed to predict the effect of missense changes on protein structure and function (PolyPhen-2) suggests that this variant is likely to be disruptive. Variants that disrupt the consensus splice site are a relatively common cause of aberrant splicing (PMID: 17576681, 9536098). Algorithms developed to predict the effect of sequence changes on RNA splicing suggest that this variant may disrupt the consensus splice site. In summary, the available evidence is currently insufficient to determine the role of this variant in disease. Therefore, it has been classified as a Variant of Uncertain Significance.

Literature cited by the submitters: PubMed 17576681; PubMed 9536098.

NM_020822.3(KCNT1):c.1200G>T (p.Gln400His)

Gene: KCNT1 (potassium sodium-activated channel subfamily T member 1; plus strand). Cytogenetic location: 9q34.3.
Variant type: single nucleotide variant.
Coding change: c.1200G>T on transcript NM_020822.3 (MANE Select); coding-DNA position 1200, G replaced by T.
Protein change: p.Gln400His; replaces glutamine 400 with histidine.
Molecular consequence: missense variant.
Genome position (GRCh38, 1-based): chr9:135,765,195, G>T. VCF-style: chr9-135765195-G-T. GRCh37 (hg19) VCF-style: chr9-138657041-G-T.
Other names: c.1065G>T, p.Gln355His (NM_001272003.2); short protein forms Q355H, Q400H.
Identifiers: ClinVar variation 2954484 (VCV002954484.3), dbSNP rs2490902641, ClinGen allele CA375500784.